The following is an entry in ClinVar:

NM_004817.4(TJP2):c.413G>A (p.Arg138Gln)

Gene: TJP2 (tight junction protein 2; plus strand). Cytogenetic location: 9q21.11.
Variant type: single nucleotide variant.
Coding change: c.413G>A on transcript NM_004817.4 (MANE Select); coding-DNA position 413, G replaced by A.
Protein change: p.Arg138Gln; replaces arginine 138 with glutamine.
Molecular consequence: missense variant.
Genome position (GRCh38, 1-based): chr9:69,220,957, G>A. VCF-style: chr9-69220957-G-A. GRCh37 (hg19) VCF-style: chr9-71835873-G-A.
Other names: c.344G>A, p.Arg115Gln (NM_001170414.2, NM_001369870.1, NM_001369871.1); c.425G>A, p.Arg142Gln (NM_001170415.1, NM_001369874.1, NM_001369875.1); c.506G>A, p.Arg169Gln (NM_001170416.2); c.413G>A, p.Arg138Gln (NM_001369872.1, NM_001369873.1, NM_201629.3); short protein forms R115Q, R138Q, R169Q, R142Q.
Identifiers: ClinVar variation 1490331 (VCV001490331.8), dbSNP rs764394462, ClinGen allele CA5073008.

ClinVar aggregate classification (germline): Uncertain significance. Review status: criteria provided, multiple submitters, no conflicts (2 of 4 stars). 2 submissions from 2 submitters: Uncertain significance (2). Last evaluated 2024-02-05.

Allele frequency attached by ClinVar (database versions not stated): gnomAD exomes 0.00003; gnomAD 0.00001; ExAC 0.00002.
gnomAD v4.1: 111 of 1,612,668 alleles (0.0069%); highest among the groups gnomAD compares: Non-Finnish European, 0.0094%; no homozygotes.

Submissions (2):

Labcorp Genetics (formerly Invitae), Labcorp
Classification: Uncertain significance. Last evaluated: 2024-02-05. Review status: criteria provided, single submitter. Criteria: Invitae Variant Classification Sherloc (09022015). Collection method: clinical testing. Allele origin: germline.
Comment: This sequence change replaces arginine, which is basic and polar, with glutamine, which is neutral and polar, at codon 138 of the TJP2 protein (p.Arg138Gln). This variant is present in population databases (rs764394462, gnomAD 0.005%). This variant has not been reported in the literature in individuals affected with TJP2-related conditions. ClinVar contains an entry for this variant (Variation ID: 1490331). Advanced modeling of protein sequence and biophysical properties (such as structural, functional, and spatial information, amino acid conservation, physicochemical variation, residue mobility, and thermodynamic stability) performed at Invitae indicates that this missense variant is not expected to disrupt TJP2 protein function with a negative predictive value of 80%. In summary, the available evidence is currently insufficient to determine the role of this variant in disease. Therefore, it has been classified as a Variant of Uncertain Significance.

GeneDx
Classification: Uncertain significance. Last evaluated: 2021-12-23. Review status: criteria provided, single submitter. Criteria: GeneDx Variant Classification Process June 2021. Collection method: clinical testing. Allele origin: germline. Affected: yes.
Comment: In silico analysis supports that this missense variant does not alter protein structure/function; Has not been previously published as pathogenic or benign to our knowledge